The following is an entry in ClinVar:

ClinVar aggregate classification (germline): Uncertain significance (1 of 4 stars; one submission).

Submission:

Labcorp Genetics (formerly Invitae), Labcorp
Classification: Uncertain significance. Last evaluated: 2025-02-18. Review status: criteria provided, single submitter. Criteria: Invitae Variant Classification Sherloc (09022015). Collection method: clinical testing. Allele origin: germline.
Comment: This sequence change replaces glycine, which is neutral and non-polar, with valine, which is neutral and non-polar, at codon 669 of the ASXL1 protein (p.Gly669Val). This variant is not present in population databases (gnomAD no frequency). This variant has not been reported in the literature in individuals affected with ASXL1-related conditions. An algorithm developed to predict the effect of missense changes on protein structure and function (PolyPhen-2) suggests that this variant is likely to be disruptive. In summary, the available evidence is currently insufficient to determine the role of this variant in disease. Therefore, it has been classified as a Variant of Uncertain Significance.

NM_015338.6(ASXL1):c.2006G>T (p.Gly669Val)

Gene: ASXL1 (ASXL transcriptional regulator 1; plus strand). Cytogenetic location: 20q11.21.
Variant type: single nucleotide variant.
Coding change: c.2006G>T on transcript NM_015338.6 (MANE Select); coding-DNA position 2006, G replaced by T.
Protein change: p.Gly669Val; replaces glycine 669 with valine.
Molecular consequence: missense variant.
Genome position (GRCh38, 1-based): chr20:32,434,718, G>T. VCF-style: chr20-32434718-G-T. GRCh37 (hg19) VCF-style: chr20-31022521-G-T.
Other names: c.1823G>T, p.Gly608Val (NM_001363734.1); short protein forms G608V, G669V.
Identifiers: ClinVar variation 4713256 (VCV004713256.1).